The following is an entry in ClinVar:

NM_000038.6(APC):c.834+5281G>C

Gene: APC (APC regulator of WNT signaling pathway; plus strand). Cytogenetic location: 5q22.2.
Variant type: single nucleotide variant.
Coding change: c.834+5281G>C on transcript NM_000038.6 (MANE Select); 5281 bases into the intron after coding-DNA position 834, G replaced by C.
Molecular consequence: intron variant.
Genome position (GRCh38, 1-based): chr5:112,806,664, G>C. VCF-style: chr5-112806664-G-C. GRCh37 (hg19) VCF-style: chr5-112142361-G-C.
Other names: c.834+5281G>C (NM_001354895.2, NM_001127510.3, NM_001354896.2 and 1 more transcripts); c.864+5281G>C (NM_001354897.2, NM_001354902.2); c.780+5281G>C (NM_001127511.3); c.759+5281G>C (NM_001354898.2, NM_001354904.2); c.-201-3462G>C (NM_001354906.2); c.750+5281G>C (NM_001354899.2); c.657+5281G>C (NM_001354900.2, NM_001354901.2, NM_001354905.2).
Identifiers: ClinVar variation 83064 (VCV000083064.2), dbSNP rs79147157, ClinGen allele CA014868.

ClinVar aggregate classification (germline): other (0 of 4 stars; one submission).

Conditions:
Familial colorectal cancer. Identifiers: MedGen CN280943, MONDO:0023113. Disease mechanism: loss of function.

Submission:

Systems Biology Platform Zhejiang California International NanoSystems Institute
Classification: other for Familial colorectal cancer. Review status: no assertion criteria provided. Collection method: not provided. Allele origin: unknown.
ClinVar note: Converted during submission from cancer to other.